The following is an entry in ClinVar:

ClinVar aggregate classification (germline): Uncertain significance (1 of 4 stars; one submission).

Allele frequency attached by ClinVar (database versions not stated): TOPMed below 0.00001; ExAC 0.00001; gnomAD 0.00001.
gnomAD v4.1: 11 of 1,611,420 alleles (0.00068%); highest among the groups gnomAD compares: Admixed American, 0.0017%; no homozygotes.

Submission:

Labcorp Genetics (formerly Invitae), Labcorp
Classification: Uncertain significance. Last evaluated: 2022-08-18. Review status: criteria provided, single submitter. Criteria: Invitae Variant Classification Sherloc (09022015). Collection method: clinical testing. Allele origin: germline.
Comment: This sequence change replaces arginine, which is basic and polar, with histidine, which is basic and polar, at codon 1882 of the LRP2 protein (p.Arg1882His). This variant is present in population databases (rs776645156, gnomAD 0.003%). This variant has not been reported in the literature in individuals affected with LRP2-related conditions. Advanced modeling of protein sequence and biophysical properties (such as structural, functional, and spatial information, amino acid conservation, physicochemical variation, residue mobility, and thermodynamic stability) performed at Invitae indicates that this missense variant is not expected to disrupt LRP2 protein function. In summary, the available evidence is currently insufficient to determine the role of this variant in disease. Therefore, it has been classified as a Variant of Uncertain Significance.

NM_004525.3(LRP2):c.5645G>A (p.Arg1882His)

Gene: LRP2 (LDL receptor related protein 2; minus strand). Cytogenetic location: 2q31.1.
Variant type: single nucleotide variant.
Coding change: c.5645G>A on transcript NM_004525.3 (MANE Select); coding-DNA position 5645, G replaced by A.
Protein change: p.Arg1882His; replaces arginine 1882 with histidine.
Molecular consequence: missense variant.
Genome position (GRCh38, 1-based): chr2:169,220,457, C>T on the plus strand (G>A on the coding strand, the complement: LRP2 is on the minus strand). VCF-style: chr2-169220457-C-T. GRCh37 (hg19) VCF-style: chr2-170076967-C-T.
Other names: short protein forms R1882H.
Identifiers: ClinVar variation 1979751 (VCV001979751.1), dbSNP rs776645156, ClinGen allele CA1954483.